The following is an entry in ClinVar:

ClinVar aggregate classification (germline): Conflicting classifications of pathogenicity. Review status: criteria provided, conflicting classifications (1 of 4 stars). 3 submissions from 3 submitters: Uncertain significance (2); Likely benign (1). Last evaluated 2025-11-25.

Conditions:
Inborn genetic diseases. Identifiers: MedGen C0950123, MeSH D030342.

Allele frequency attached by ClinVar (database versions not stated): ExAC 0.00001; TOPMed 0.00001; gnomAD 0.00003.
gnomAD v4.1: 15 of 1,614,044 alleles (0.00093%); highest among the groups gnomAD compares: East Asian, 0.0045%; no homozygotes.

Submissions (3):

Labcorp Genetics (formerly Invitae), Labcorp
Classification: Uncertain significance. Last evaluated: 2025-11-25. Review status: criteria provided, single submitter. Criteria: Invitae Variant Classification Sherloc (09022015). Collection method: clinical testing. Allele origin: germline.
Comment: This sequence change replaces threonine, which is neutral and polar, with methionine, which is neutral and non-polar, at codon 187 of the ETV6 protein (p.Thr187Met). This variant is present in population databases (rs753079378, gnomAD 0.004%). This variant has not been reported in the literature in individuals affected with ETV6-related conditions. ClinVar contains an entry for this variant (Variation ID: 2663019). Invitae Evidence Modeling of protein sequence and biophysical properties (such as structural, functional, and spatial information, amino acid conservation, physicochemical variation, residue mobility, and thermodynamic stability) indicates that this missense variant is not expected to disrupt ETV6 protein function with a negative predictive value of 80%. In summary, the available evidence is currently insufficient to determine the role of this variant in disease. Therefore, it has been classified as a Variant of Uncertain Significance.

Ambry Genetics
Classification: Likely benign for Inborn genetic diseases. Last evaluated: 2025-06-03. Review status: criteria provided, single submitter. Criteria: Ambry Variant Classification Scheme 2023. Collection method: clinical testing. Allele origin: germline.

GeneDx
Classification: Uncertain significance. Last evaluated: 2024-09-12. Review status: criteria provided, single submitter. Criteria: GeneDx Variant Classification Process June 2021. Collection method: clinical testing. Allele origin: germline.
Comment: Not observed at significant frequency in large population cohorts (gnomAD); In silico analysis indicates that this missense variant does not alter protein structure/function; Has not been previously published as pathogenic or benign to our knowledge; This variant is associated with the following publications: (PMID: 28555414, 28637624)

NM_001987.5(ETV6):c.560C>T (p.Thr187Met)

Gene: ETV6 (ETS variant transcription factor 6; plus strand). Cytogenetic location: 12p13.2.
Variant type: single nucleotide variant.
Coding change: c.560C>T on transcript NM_001987.5 (MANE Select); coding-DNA position 560, C replaced by T.
Protein change: p.Thr187Met; replaces threonine 187 with methionine.
Molecular consequence: missense variant.
Genome position (GRCh38, 1-based): chr12:11,869,520, C>T. VCF-style: chr12-11869520-C-T. GRCh37 (hg19) VCF-style: chr12-12022454-C-T.
Other names: c.557C>T, p.Thr186Met (NM_001413913.1); c.533C>T, p.Thr178Met (NM_001413914.1); c.296C>T, p.Thr99Met (NM_001413915.1); c.560C>T, p.Thr187Met (NM_001413916.1, NM_001413917.1); short protein forms T178M, T186M, T187M, T99M.
Identifiers: ClinVar variation 2663019 (VCV002663019.6), dbSNP rs753079378, ClinGen allele CA6454283.